The following is an entry in ClinVar:

ClinVar aggregate classification (germline): Benign/Likely benign. Review status: criteria provided, multiple submitters, no conflicts (2 of 4 stars). 4 submissions from 3 submitters: Benign (1); Likely benign (3). Last evaluated 2021-05-21.

Conditions:
3-Methylglutaconic aciduria type 3 (MGCA3). Also called: OPA3, AUTOSOMAL RECESSIVE; OPTIC ATROPHY 3, AUTOSOMAL RECESSIVE; Costeff Syndrome; OPA3-Related 3-Methylglutaconic Aciduria. Identifiers: Orphanet 67047, MedGen C0574084, MONDO:0009787, OMIM 258501.
Optic atrophy 3 (OPA3). Also called: OPTIC ATROPHY 3, AUTOSOMAL DOMINANT; Optic atrophy, cataract, and neurologic disorder; Optic atrophy 3 with cataract. Identifiers: Orphanet 67036, MedGen C1833809, MONDO:0008133, OMIM 165300.

Allele frequency attached by ClinVar (database versions not stated): gnomAD 0.01143 and 0.01265; TOPMed 0.01174; 1000 Genomes Project 30x 0.01234; 1000 Genomes Project 0.01318; gnomAD exomes 0.02051.
gnomAD v4.1: 19,018 of 985,550 alleles (1.9%); highest among the groups gnomAD compares: South Asian, 5.4%; 225 homozygotes.

Submissions (4):

GeneDx
Classification: Likely benign. Last evaluated: 2021-05-21. Review status: criteria provided, single submitter. Criteria: GeneDx Variant Classification Process June 2021. Collection method: clinical testing. Allele origin: germline. Affected: yes.

Blueprint Genetics
Classification: Likely benign. Last evaluated: 2020-02-28. Review status: criteria provided, single submitter. Criteria: ACMG Guidelines, 2015. Collection method: clinical testing. Allele origin: germline.

Illumina Laboratory Services, Illumina
Classification: Benign for Optic atrophy 3. Last evaluated: 2018-01-13. Review status: criteria provided, single submitter. Criteria: ICSL Variant Classification Criteria 13 December 2019. Collection method: clinical testing. Allele origin: germline.
Comment: This variant was observed in the ICSL laboratory as part of a predisposition screen in an ostensibly healthy population. It had not been previously curated by ICSL or reported in the Human Gene Mutation Database (HGMD: prior to June 1st, 2018), and was therefore a candidate for classification through an automated scoring system. Utilizing variant allele frequency, disease prevalence and penetrance estimates, and inheritance mode, an automated score was calculated to assess if this variant is too frequent to cause the disease. Based on the score and internal cut-off values, a variant classified as benign is not then subjected to further curation. The score for this variant resulted in a classification of benign for this disease.

Illumina Laboratory Services, Illumina
Classification: Likely benign for 3-Methylglutaconic aciduria type 3. Last evaluated: 2018-01-13. Review status: criteria provided, single submitter. Criteria: ICSL Variant Classification Criteria 13 December 2019. Collection method: clinical testing. Allele origin: germline.
Comment: This variant was observed in the ICSL laboratory as part of a predisposition screen in an ostensibly healthy population. It had not been previously curated by ICSL or reported in the Human Gene Mutation Database (HGMD: prior to June 1st, 2018), and was therefore a candidate for classification through an automated scoring system. Utilizing variant allele frequency, disease prevalence and penetrance estimates, and inheritance mode, an automated score was calculated to assess if this variant is too frequent to cause the disease. Based on the score and internal cut-off values, a variant classified as likely benign is not then subjected to further curation. The score for this variant resulted in a classification of likely benign for this disease.

NM_025136.4(OPA3):c.*1760C>T

Genes: OPA3 (outer mitochondrial membrane lipid metabolism regulator OPA3; minus strand), OPA3-RTN2 (OPA3-RTN2 readthrough; minus strand). Cytogenetic location: 19q13.32.
Variant type: single nucleotide variant.
Coding change: c.*1760C>T on transcript NM_025136.4 (MANE Select); 1760 bases downstream of the stop codon, C replaced by T.
Molecular consequence: 3 prime UTR variant. On other transcripts: intron variant (1).
Genome position (GRCh38, 1-based): chr19:45,551,754, G>A on the plus strand (C>T on the coding strand, the complement: OPA3 is on the minus strand). VCF-style: chr19-45551754-G-A. GRCh37 (hg19) VCF-style: chr19-46055012-G-A.
Other names: c.143-22298C>T (NM_001017989.3).
Identifiers: ClinVar variation 329652 (VCV000329652.7), dbSNP rs75401979, ClinGen allele CA10652586.